The following is an entry in ClinVar:

NM_001291415.2(KDM6A):c.3256A>G (p.Lys1086Glu)

Gene: KDM6A (lysine demethylase 6A; plus strand). Cytogenetic location: Xp11.3.
Variant type: single nucleotide variant.
Coding change: c.3256A>G on transcript NM_001291415.2 (MANE Select); coding-DNA position 3256, A replaced by G.
Protein change: p.Lys1086Glu; replaces lysine 1086 with glutamic acid.
Molecular consequence: missense variant. On other transcripts: non-coding transcript variant (1).
Genome position (GRCh38, 1-based): chrX:45,079,307, A>G. VCF-style: chrX-45079307-A-G. GRCh37 (hg19) VCF-style: chrX-44938552-A-G.
Other names: c.3121A>G, p.Lys1041Glu (NM_001291416.2); c.2965A>G, p.Lys989Glu (NM_001291417.2); c.2863A>G, p.Lys955Glu (NM_001291418.2); c.2212A>G, p.Lys738Glu (NM_001291421.2); c.2998A>G, p.Lys1000Glu (NM_001410742.1); c.3100A>G, p.Lys1034Glu (NM_021140.4); short protein forms K1000E, K1034E, K1041E, K1086E, K738E, K955E, K989E.
Identifiers: ClinVar variation 1704843 (VCV001704843.3), dbSNP rs2523165770, ClinGen allele CA16040208.

ClinVar aggregate classification (germline): Uncertain significance (1 of 4 stars; one submission).

Submission:

GeneDx
Classification: Uncertain significance. Last evaluated: 2023-05-02. Review status: criteria provided, single submitter. Criteria: GeneDx Variant Classification Process June 2021. Collection method: clinical testing. Allele origin: germline. Affected: yes.
Comment: Not observed at significant frequency in large population cohorts (gnomAD); In silico analysis supports that this missense variant has a deleterious effect on protein structure/function; Has not been previously published as pathogenic or benign to our knowledge